The following is an entry in ClinVar:

NM_000051.4(ATM):c.1700A>G (p.Asn567Ser)

Gene: ATM (ATM serine/threonine kinase; plus strand). Cytogenetic location: 11q22.3.
Variant type: single nucleotide variant.
Coding change: c.1700A>G on transcript NM_000051.4 (MANE Select); coding-DNA position 1700, A replaced by G.
Protein change: p.Asn567Ser; replaces asparagine 567 with serine.
Molecular consequence: missense variant.
Genome position (GRCh38, 1-based): chr11:108,251,929, A>G. VCF-style: chr11-108251929-A-G. GRCh37 (hg19) VCF-style: chr11-108122656-A-G.
Other names: c.1700A>G, p.Asn567Ser (NM_001351834.2); short protein forms N567S.
Identifiers: ClinVar variation 186801 (VCV000186801.27), dbSNP rs786203230, ClinGen allele CA195908.

ClinVar aggregate classification (germline): Conflicting classifications of pathogenicity. Review status: criteria provided, conflicting classifications (1 of 4 stars). 7 submissions from 7 submitters: Pathogenic (1); Likely pathogenic (1); Uncertain significance (4). 1 of the submissions does not count toward it. Last evaluated 2026-10-31.

Conditions:
Hereditary cancer-predisposing syndrome. Also called: Hereditary neoplastic syndrome; Neoplastic Syndromes, Hereditary; Hereditary Cancer Syndrome; Tumor predisposition. Identifiers: Orphanet 140162, MedGen C0027672, MeSH D009386, MONDO:0015356.
Familial cancer of breast. Also called: Hereditary breast cancer; hereditary breast carcinoma; BREAST CANCER, FAMILIAL. Identifiers: Orphanet 227535, MedGen C0346153, MONDO:0016419, OMIM 114480. Disease mechanism: loss of function.
Ataxia-telangiectasia syndrome (AT). Also called: Ataxia-telangiectasia, complementation group D; AT, COMPLEMENTATION GROUP C; Ataxia-telangiectasia, complementation group E; Ataxia telangiectasia (A-T); Cerebello-oculocutaneous telangiectasia; Immunodeficiency with ataxia telangiectasia. Identifiers: Orphanet 100, MedGen C0004135, MONDO:0008840, OMIM 208900.

Allele frequency attached by ClinVar (database versions not stated): gnomAD exomes 0.00001.
gnomAD v4.1: 3 of 1,613,952 alleles (0.00019%); highest among the groups gnomAD compares: Non-Finnish European, 0.00025%; no homozygotes.

Submissions (7):

Laboratory of Molecular Biology, Dmitry Rogachev National Medical Center of Pediatric Hematology, Oncology and Immunology
Classification: Pathogenic for Ataxia-telangiectasia syndrome. Last evaluated: 2026-10-31. Review status: criteria provided, single submitter. Criteria: ACMG Guidelines, 2015. Collection method: clinical testing. Allele origin: germline. Inheritance: Autosomal recessive inheritance. Affected: yes. Observed: 3 variant alleles, 1 heterozygote, 2 compound heterozygotes. Clinical features observed: T-cell acute lymphoblastic leukemia (HP:0006727), T-cell lymphoma (HP:0012190).
Comment: This variant was classified as Pathogenic using a points-based implementation of the ACMG/AMP guidelines. Evidence includes: PVS1_strong (RNA analysis demonstrated aberrant splicing with loss of 107 bp of exon 11, predicted to cause frameshift and premature termination codon); PS3 (functional flow-cytometry assay showed impaired ATM-dependent DNA damage response, reduced γH2AX index); PM3 (observed in trans with a known pathogenic ATM variant in two affected siblings); and PM2_supporting (extremely rare in population databases). Total score: 11 points.

Ambry Genetics
Classification: Likely pathogenic for Hereditary cancer-predisposing syndrome. Last evaluated: 2025-11-24. Review status: criteria provided, single submitter. Criteria: Ambry Variant Classification Scheme 2023. Collection method: clinical testing. Allele origin: germline.
Comment: The c.1700A>G variant (also known as p.N567S), located in coding exon 10 of the ATM gene, results from an A to G substitution at nucleotide position 1700. The asparagine at codon 567 is replaced by serine, an amino acid with highly similar properties. This nucleotide position is well conserved in available vertebrate species. In silico splice site analysis predicts that this alteration will result in the creation or strengthening of a novel splice donor site. RNA studies have demonstrated that this alteration results in abnormal splicing in the set of samples tested (Ambry internal data). This variant is considered to be rare based on population cohorts in the Genome Aggregation Database (gnomAD). Based on the majority of available evidence to date, this variant is likely to be pathogenic.

Labcorp Genetics (formerly Invitae), Labcorp
Classification: Uncertain significance for Ataxia-telangiectasia syndrome. Last evaluated: 2024-06-18. Review status: criteria provided, single submitter. Criteria: Invitae Variant Classification Sherloc (09022015). Collection method: clinical testing. Allele origin: germline.
Comment: This sequence change replaces asparagine, which is neutral and polar, with serine, which is neutral and polar, at codon 567 of the ATM protein (p.Asn567Ser). RNA analysis indicates that this missense change induces altered splicing and may result in an absent or disrupted protein product. This variant is not present in population databases (gnomAD no frequency). This variant has not been reported in the literature in individuals affected with ATM-related conditions. ClinVar contains an entry for this variant (Variation ID: 186801). Algorithms developed to predict the effect of missense changes on protein structure and function output the following: SIFT: "Not Available"; PolyPhen-2: "Benign"; Align-GVGD: "Not Available". The serine amino acid residue is found in multiple mammalian species, which suggests that this missense change does not adversely affect protein function. Studies have shown that this missense change results in activation of a cryptic splice site and introduces a premature termination codon (Invitae). The resulting mRNA is expected to undergo nonsense-mediated decay. In summary, the available evidence is currently insufficient to determine the role of this variant in disease. Therefore, it has been classified as a Variant of Uncertain Significance.

Baylor Genetics
Classification: Uncertain significance for Familial cancer of breast. Last evaluated: 2023-12-10. Review status: criteria provided, single submitter. Criteria: ACMG Guidelines, 2015. Collection method: clinical testing. Allele origin: unknown.

Color Diagnostics, LLC DBA Color Health
Classification: Uncertain significance for Hereditary cancer-predisposing syndrome. Last evaluated: 2023-02-03. Review status: criteria provided, single submitter. Criteria: ACMG Guidelines, 2015. Collection method: clinical testing. Allele origin: germline.
Comment: This missense variant replaces asparagine with serine at codon 567 of the ATM protein. This variant has been reported to impact RNA splicing by an external laboratory, however, detailed data are not available for review (ClinVar SCV000217248.6). Computational prediction suggests that this variant may not impact protein structure and function (internally defined REVEL score threshold <= 0.5, PMID: 27666373). To our knowledge, functional studies have not been reported for this variant. In a large international case-control study, this variant was reported in 1/60465 breast cancer cases and absent in 53461 controls (PMID: 33471991). This variant has not been identified in the general population by the Genome Aggregation Database (gnomAD). The available evidence is insufficient to determine the role of this variant in disease conclusively. Therefore, this variant is classified as a Variant of Uncertain Significance.

GeneDx
Classification: Uncertain significance. Last evaluated: 2018-10-10. Review status: criteria provided, single submitter. Criteria: GeneDx Variant Classification (06012015). Collection method: clinical testing. Allele origin: germline. Affected: yes.
Comment: This variant is denoted ATM c.1700A>G at the cDNA level, p.Asn567Ser (N567S) at the protein level, and results in the change of an Asparagine to a Serine (AAT>AGT). This variant has not, to our knowledge, been published in the literature as a pathogenic or benign germline variant. ATM Asn567Ser was not observed in large population cohorts (Lek 2016). This variant is not located in a known functional domain. While protein-based in silico analysis supports that this variant does not alter protein structure/function, splicing models predict the creation of a novel splice site. However, in the absence of RNA or functional studies, the actual effect of this variant is unknown. Based on currently available evidence, it is unclear whether ATM Asn567Ser is a pathogenic or benign variant. We consider it to be a variant of uncertain significance.

Natera, Inc.
Classification: Uncertain significance for Ataxia-telangiectasia. Last evaluated: 2020-08-21. Review status: no assertion criteria provided. Collection method: clinical testing. Allele origin: germline. Not counted in ClinVar's aggregate classification.

Literature cited by the submitters: PubMed 32720330 (cited by Laboratory of Molecular Biology, Dmitry Rogachev National Medical Center of Pediatric Hematology, Oncology and Immunology); PubMed 33471991 (cited by Color Diagnostics, LLC DBA Color Health).